The following is an entry in ClinVar:

NM_006904.7(PRKDC):c.2599A>C (p.Asn867His)

Gene: PRKDC (protein kinase, DNA-activated, catalytic subunit; minus strand). Cytogenetic location: 8q11.21.
Variant type: single nucleotide variant.
Coding change: c.2599A>C on transcript NM_006904.7 (MANE Select); coding-DNA position 2599, A replaced by C.
Protein change: p.Asn867His; replaces asparagine 867 with histidine.
Molecular consequence: missense variant.
Genome position (GRCh38, 1-based): chr8:47,915,346, T>G on the plus strand (A>C on the coding strand, the complement: PRKDC is on the minus strand). VCF-style: chr8-47915346-T-G. GRCh37 (hg19) VCF-style: chr8-48827906-T-G.
Other names: c.2599A>C, p.Asn867His (NM_001081640.2); short protein forms N867H.
Identifiers: ClinVar variation 571727 (VCV000571727.11), dbSNP rs758007075, ClinGen allele CA4741430.

ClinVar aggregate classification (germline): Uncertain significance. Review status: criteria provided, multiple submitters, no conflicts (2 of 4 stars). 2 submissions from 2 submitters: Uncertain significance (2). Last evaluated 2024-11-09.

Conditions:
Severe combined immunodeficiency due to DNA-PKcs deficiency. Also called: IMMUNODEFICIENCY 26 WITH NEUROLOGIC ABNORMALITIES; Immunodeficiency 26 with or without neurologic abnormalities. Identifiers: Orphanet 317425, MedGen C4014833, MONDO:0014423, OMIM 615966.

Allele frequency attached by ClinVar (database versions not stated): ExAC below 0.00001; TOPMed below 0.00001; gnomAD exomes 0.00001 and 0.00002.

Submissions (2):

Ambry Genetics
Classification: Uncertain significance. Last evaluated: 2024-11-09. Review status: criteria provided, single submitter. Criteria: Ambry Variant Classification Scheme 2023. Collection method: clinical testing. Allele origin: germline.

Labcorp Genetics (formerly Invitae), Labcorp
Classification: Uncertain significance for Severe combined immunodeficiency due to DNA-PKcs deficiency. Last evaluated: 2022-11-15. Review status: criteria provided, single submitter. Criteria: Invitae Variant Classification Sherloc (09022015). Collection method: clinical testing. Allele origin: germline.
Comment: This variant is present in population databases (rs758007075, gnomAD 0.01%). In summary, the available evidence is currently insufficient to determine the role of this variant in disease. Therefore, it has been classified as a Variant of Uncertain Significance. Advanced modeling of protein sequence and biophysical properties (such as structural, functional, and spatial information, amino acid conservation, physicochemical variation, residue mobility, and thermodynamic stability) performed at Invitae indicates that this missense variant is expected to disrupt PRKDC protein function. ClinVar contains an entry for this variant (Variation ID: 571727). This variant has not been reported in the literature in individuals affected with PRKDC-related conditions. This sequence change replaces asparagine, which is neutral and polar, with histidine, which is basic and polar, at codon 867 of the PRKDC protein (p.Asn867His).